The following is an entry in ClinVar:

ClinVar aggregate classification (germline): Uncertain significance. Review status: criteria provided, multiple submitters, no conflicts (2 of 4 stars). 2 submissions from 2 submitters: Uncertain significance (2). Last evaluated 2025-10-27.

Conditions:
Baller-Gerold syndrome (BGS). Also called: CRANIOSYNOSTOSIS WITH RADIAL DEFECTS. Identifiers: Orphanet 1225, MedGen C0265308, MONDO:0009039, OMIM 218600.

Allele frequency attached by ClinVar (database versions not stated): gnomAD 0.00004 and 0.00002; TOPMed 0.00006; gnomAD exomes 0.00005; ExAC 0.00005.

Submissions (2):

Labcorp Genetics (formerly Invitae), Labcorp
Classification: Uncertain significance for Baller-Gerold syndrome. Last evaluated: 2025-10-27. Review status: criteria provided, single submitter. Criteria: Invitae Variant Classification Sherloc (09022015). Collection method: clinical testing. Allele origin: germline.
Comment: This sequence change replaces arginine, which is basic and polar, with histidine, which is basic and polar, at codon 375 of the RECQL4 protein (p.Arg375His). This variant is present in population databases (rs398124115, gnomAD 0.02%). This missense change has been observed in individual(s) with pancreatic cancer (PMID: 35171259). ClinVar contains an entry for this variant (Variation ID: 94883). Invitae Evidence Modeling of protein sequence and biophysical properties (such as structural, functional, and spatial information, amino acid conservation, physicochemical variation, residue mobility, and thermodynamic stability) indicates that this missense variant is not expected to disrupt RECQL4 protein function with a negative predictive value of 80%. In summary, the available evidence is currently insufficient to determine the role of this variant in disease. Therefore, it has been classified as a Variant of Uncertain Significance.

Eurofins Ntd Llc (ga)
Classification: Uncertain significance. Last evaluated: 2013-01-11. Review status: criteria provided, single submitter. Criteria: EGL Classification Definitions 2015. Collection method: clinical testing. Allele origin: germline. Observed: 1 variant allele, 1 heterozygote.

Literature cited by the submitters: PubMed 35171259 (cited by Labcorp Genetics (formerly Invitae), Labcorp).

NM_004260.4(RECQL4):c.1124G>A (p.Arg375His)

Gene: RECQL4 (RecQ like helicase 4; minus strand). Cytogenetic location: 8q24.3.
Variant type: single nucleotide variant.
Coding change: c.1124G>A on transcript NM_004260.4 (MANE Select); coding-DNA position 1124, G replaced by A.
Protein change: p.Arg375His; replaces arginine 375 with histidine.
Molecular consequence: missense variant.
Genome position (GRCh38, 1-based): chr8:144,515,995, C>T on the plus strand (G>A on the coding strand, the complement: RECQL4 is on the minus strand). VCF-style: chr8-144515995-C-T. GRCh37 (hg19) VCF-style: chr8-145741379-C-T.
Other names: short protein forms R375H.
Identifiers: ClinVar variation 94883 (VCV000094883.11), dbSNP rs398124115, ClinGen allele CA222574.